The following is an entry in ClinVar:

NM_138295.5(PKD1L1):c.7731C>T (p.Gly2577=)

Genes: PKD1L1 (polycystin 1 like 1, transient receptor potential channel interacting; minus strand), PKD1L1-AS1 (PKD1L1 antisense RNA 1; plus strand). Cytogenetic location: 7p12.3.
Variant type: single nucleotide variant.
Coding change: c.7731C>T on transcript NM_138295.5 (MANE Select); coding-DNA position 7731, C replaced by T.
Protein change: p.Gly2577=; no amino-acid change (glycine 2577 retained).
Molecular consequence: synonymous variant.
Genome position (GRCh38, 1-based): chr7:47,808,343, G>A on the plus strand (C>T on the coding strand, the complement: PKD1L1 is on the minus strand). VCF-style: chr7-47808343-G-A. GRCh37 (hg19) VCF-style: chr7-47847941-G-A.
Identifiers: ClinVar variation 5001793 (VCV005001793.1).

ClinVar aggregate classification (germline): Likely benign (1 of 4 stars; one submission).

Conditions:
PKD1L1-related disorder. Also called: PKD1L1-related condition.

gnomAD v4.1: 3 of 1,614,042 alleles (0.00019%); highest among the groups gnomAD compares: Admixed American, 0.005%; no homozygotes.

Submission:

PreventionGenetics, part of Exact Sciences
Classification: Likely benign for PKD1L1-related condition. Last evaluated: 2025-03-24. Review status: criteria provided, single submitter. Criteria: ACMG Guidelines, 2015. Collection method: clinical testing. Allele origin: germline.
Comment: This variant is classified as likely benign based on ACMG/AMP sequence variant interpretation guidelines (Richards et al. 2015 PMID: 25741868, with internal and published modifications).